The following is an entry in ClinVar:

NM_015338.6(ASXL1):c.2069A>T (p.Asp690Val)

Gene: ASXL1 (ASXL transcriptional regulator 1; plus strand). Cytogenetic location: 20q11.21.
Variant type: single nucleotide variant.
Coding change: c.2069A>T on transcript NM_015338.6 (MANE Select); coding-DNA position 2069, A replaced by T.
Protein change: p.Asp690Val; replaces aspartic acid 690 with valine.
Molecular consequence: missense variant.
Genome position (GRCh38, 1-based): chr20:32,434,781, A>T. VCF-style: chr20-32434781-A-T. GRCh37 (hg19) VCF-style: chr20-31022584-A-T.
Other names: c.1886A>T, p.Asp629Val (NM_001363734.1); short protein forms D629V, D690V.
Identifiers: ClinVar variation 4864329 (VCV004864329.1).
Genomic context (GRCh38, chr20:32,434,781, plus strand): 5'-AGGCCTGTGGCCACCCTGAGCCCAGGGGAGGCCCGAGCACCCCTGGAAAGTGTACGTCAG[A>T]TCTACAGCGAACACAACTACTGCCGCCTTATCCTCTAAATGGGGAGCATACCCAGGCCGG-3'
Protein context (NP_056153.2, residues 680-700): GPSTPGKCTS[Asp690Val]LQRTQLLPPY

ClinVar aggregate classification (germline): Uncertain significance (1 of 4 stars; one submission).

Conditions:
Inborn genetic diseases. Identifiers: MedGen C0950123, MeSH D030342.

Submission:

Ambry Genetics
Classification: Uncertain significance for Inborn genetic diseases. Last evaluated: 2026-04-22. Review status: criteria provided, single submitter. Criteria: Ambry Variant Classification Scheme 2023. Collection method: clinical testing. Allele origin: germline.
Comment: The p.D690V variant (also known as c.2069A>T), located in coding exon 13 of the ASXL1 gene, results from an A to T substitution at nucleotide position 2069. The aspartic acid at codon 690 is replaced by valine, an amino acid with highly dissimilar properties. This amino acid position is conserved. In addition, the in silico prediction for this alteration is inconclusive. Based on the available evidence, the clinical significance of this variant remains unclear.